The following is an entry in ClinVar:

NM_001447.3(FAT2):c.12468C>T (p.His4156=)

Genes: FAT2 (FAT atypical cadherin 2; minus strand), SLC36A1 (solute carrier family 36 member 1; plus strand). Cytogenetic location: 5q33.1.
Variant type: single nucleotide variant.
Coding change: c.12468C>T on transcript NM_001447.3 (MANE Select); coding-DNA position 12468, C replaced by T.
Protein change: p.His4156=; no amino-acid change (histidine 4156 retained).
Molecular consequence: synonymous variant.
Genome position (GRCh38, 1-based): chr5:151,507,203, G>A on the plus strand (C>T on the coding strand, the complement: FAT2 is on the minus strand). VCF-style: chr5-151507203-G-A. GRCh37 (hg19) VCF-style: chr5-150886764-G-A.
Identifiers: ClinVar variation 3042793 (VCV003042793.2), dbSNP rs111771262, ClinGen allele CA129918372.

ClinVar aggregate classification (germline): Likely benign (0 of 4 stars; one submission).

Conditions:
FAT2-related disorder. Also called: FAT2-related condition.

Allele frequency attached by ClinVar (database versions not stated): gnomAD exomes 0.00001; TOPMed 0.00002; gnomAD 0.00003.
gnomAD v4.1: 16 of 1,610,654 alleles (0.00099%); highest among the groups gnomAD compares: Middle Eastern, 0.017%; no homozygotes.

Submission:

PreventionGenetics, part of Exact Sciences
Classification: Likely benign for FAT2-related condition. Last evaluated: 2019-07-12. Review status: no assertion criteria provided. Collection method: clinical testing. Allele origin: germline.
Comment: This variant is classified as likely benign based on ACMG/AMP sequence variant interpretation guidelines (Richards et al. 2015 PMID: 25741868, with internal and published modifications).